The following is an entry in ClinVar:

ClinVar aggregate classification (germline): Pathogenic (1 of 4 stars; one submission).

Conditions:
Epidermolysis bullosa simplex with nail dystrophy (EBS5D). Identifiers: MedGen C4225309, MONDO:0014661, OMIM 616487.
Epidermolysis bullosa simplex 5C, with pyloric atresia (EBS5C). Also called: PLEC-Related Epidermolysis Bullosa with Pyloric Atresia; Epidermolysis bullosa simplex with pyloric atresia; PLEC1-Related Epidermolysis Bullosa with Pyloric Atresia. Identifiers: Orphanet 158684, MedGen C2677349, MONDO:0012807, OMIM 612138.
Autosomal recessive limb-girdle muscular dystrophy type 2Q (LGMDR17). Also called: MUSCULAR DYSTROPHY, LIMB-GIRDLE, AUTOSOMAL RECESSIVE 17. Identifiers: Orphanet 254361, MedGen C3150989, MONDO:0013390, OMIM 613723.
Epidermolysis bullosa simplex 5B, with muscular dystrophy (EBS5B). Also called: Epidermolysis bullosa simplex with muscular dystrophy; EPIDERMOLYSIS BULLOSA SIMPLEX AND LIMB-GIRDLE MUSCULAR DYSTROPHY. Identifiers: Orphanet 257, MedGen C2931072, MONDO:0009181, OMIM 226670.
Epidermolysis bullosa simplex, Ogna type (EBS5A). Also called: Pidermolysis bullosa simplex 5A, Ogna type; EPIDERMOLYSIS BULLOSA SIMPLEX 5A, OGNA TYPE. Identifiers: Orphanet 79401, MedGen C0432317, MONDO:0007555, OMIM 131950.

Allele frequency attached by ClinVar (database versions not stated): gnomAD exomes 0.00001; ExAC 0.00002.
gnomAD v4.1: 6 of 1,613,980 alleles (0.00037%); highest among the groups gnomAD compares: East Asian, 0.0045%; no homozygotes.

Submission:

Labcorp Genetics (formerly Invitae), Labcorp
Classification: Pathogenic for Autosomal recessive limb-girdle muscular dystrophy type 2Q; Epidermolysis bullosa simplex, Ogna type; Epidermolysis bullosa simplex with nail dystrophy; Epidermolysis bullosa simplex 5C, with pyloric atresia; Epidermolysis bullosa simplex 5B, with muscular dystrophy. Last evaluated: 2021-11-16. Review status: criteria provided, single submitter. Criteria: Invitae Variant Classification Sherloc (09022015). Collection method: clinical testing. Allele origin: germline.
Comment: For these reasons, this variant has been classified as Pathogenic. This variant disrupts a region of the PLEC protein in which other variant(s) (p.Lys4460*) have been determined to be pathogenic (PMID: 10652002). This suggests that this is a clinically significant region of the protein, and that variants that disrupt it are likely to be disease-causing. Algorithms developed to predict the effect of sequence changes on RNA splicing suggest that this variant may create or strengthen a splice site. This variant has not been reported in the literature in individuals affected with PLEC-related conditions. This sequence change creates a premature translational stop signal (p.Gln3552*) in the PLEC gene. While this is not anticipated to result in nonsense mediated decay, it is expected to disrupt the last 1023 amino acid(s) of the PLEC protein. This variant is present in population databases (rs781837529, gnomAD 0.01%).

Literature cited by the submitters: PubMed 10652002.

NM_201384.3(PLEC):c.10573C>T (p.Gln3525Ter)

Gene: PLEC (plectin; minus strand). Cytogenetic location: 8q24.3.
Variant type: single nucleotide variant.
Coding change: c.10573C>T on transcript NM_201384.3 (MANE Select); coding-DNA position 10573, C replaced by T.
Protein change: p.Gln3525Ter; replaces glutamine 3525 with a stop codon.
Molecular consequence: nonsense.
Genome position (GRCh38, 1-based): chr8:143,919,248, G>A on the plus strand (C>T on the coding strand, the complement: PLEC is on the minus strand). VCF-style: chr8-143919248-G-A. GRCh37 (hg19) VCF-style: chr8-144993416-G-A.
Other names: c.10654C>T, p.Gln3552Ter (NM_000445.5); c.10531C>T, p.Gln3511Ter (NM_201378.4); c.10507C>T, p.Gln3503Ter (NM_201379.3); c.10984C>T, p.Gln3662Ter (NM_201380.4); c.10477C>T, p.Gln3493Ter (NM_201381.3); c.10573C>T, p.Gln3525Ter (NM_201382.4); c.10585C>T, p.Gln3529Ter (NM_201383.3); short protein forms Q3511*, Q3493*, Q3525*, Q3529*, Q3662*, Q3552*, Q3503*.
Identifiers: ClinVar variation 1453848 (VCV001453848.6), dbSNP rs781837529, ClinGen allele CA4924605.